The following is an entry in ClinVar:

NM_000321.3(RB1):c.939+4A>G

Gene: RB1 (RB transcriptional corepressor 1; plus strand). Cytogenetic location: 13q14.2.
Variant type: single nucleotide variant.
Coding change: c.939+4A>G on transcript NM_000321.3 (MANE Select); 4 bases into the intron after coding-DNA position 939, A replaced by G.
Molecular consequence: intron variant.
Genome position (GRCh38, 1-based): chr13:48,364,975, A>G. VCF-style: chr13-48364975-A-G. GRCh37 (hg19) VCF-style: chr13-48939111-A-G.
Other names: c.939+4A>G (NM_001407165.1, NM_001407166.1).
Identifiers: ClinVar variation 4151186 (VCV004151186.1).

ClinVar aggregate classification (germline): Likely pathogenic (1 of 4 stars; one submission).

Conditions:
Hereditary cancer-predisposing syndrome. Also called: Hereditary neoplastic syndrome; Neoplastic Syndromes, Hereditary; Tumor predisposition; Hereditary Cancer Syndrome. Identifiers: Orphanet 140162, MedGen C0027672, MeSH D009386, MONDO:0015356.

Submission:

Ambry Genetics
Classification: Likely pathogenic for Hereditary cancer-predisposing syndrome. Last evaluated: 2025-07-02. Review status: criteria provided, single submitter. Criteria: Ambry Variant Classification Scheme 2023. Collection method: clinical testing. Allele origin: germline.
Comment: The c.939+4A>G intronic variant results from an A to G substitution 4 nucleotides after coding exon 9 in the RB1 gene. This nucleotide position is well conserved in available vertebrate species. In silico splice site analysis predicts that this alteration will weaken the native splice donor site. RNA studies have demonstrated that this alteration results in abnormal splicing in the set of samples tested (Ambry internal data). Based on the majority of available evidence to date, this variant is likely to be pathogenic.